The following is an entry in ClinVar:

NM_001100.4(ACTA1):c.142G>C (p.Gly48Arg)

Gene: ACTA1 (actin alpha 1, skeletal muscle; minus strand). Cytogenetic location: 1q42.13.
Variant type: single nucleotide variant.
Coding change: c.142G>C on transcript NM_001100.4 (MANE Select); coding-DNA position 142, G replaced by C.
Protein change: p.Gly48Arg; replaces glycine 48 with arginine.
Molecular consequence: missense variant.
Genome position (GRCh38, 1-based): chr1:229,432,868, C>G on the plus strand (G>C on the coding strand, the complement: ACTA1 is on the minus strand). VCF-style: chr1-229432868-C-G. GRCh37 (hg19) VCF-style: chr1-229568615-C-G.
Other names: short protein forms G48R.
Identifiers: ClinVar variation 1474488 (VCV001474488.6), dbSNP rs794727488, ClinGen allele CA345151030.
Genomic context (GRCh38, chr1:229,432,868, plus strand): 5'-TCAGGATACCTCTCTTGCTCTGAGCCTCGTCGCCCACGTAGGAATCTTTCTGACCCATAC[C>G]GACCATGACGCCCTGCAGAGCCGAGACACCACGCACCCGTTAACGCCGCTCCGGGTGGCA-3'
Protein context (NP_001091.1, residues 38-58): GRPRHQGVMV[Gly48Arg]MGQKDSYVGD

ClinVar aggregate classification (germline): Likely pathogenic (1 of 4 stars; one submission).

Conditions:
Actin accumulation myopathy (CMYO2A). Also called: Myopathy, actin, congenital, with cores; Nemaline myopathy 3, with intranuclear rods; Nemaline myopathy type 3; Myopathy, actin, congenital, with excess of thin myofilaments; CONGENITAL MYOPATHY 2A, TYPICAL, AUTOSOMAL DOMINANT. Identifiers: Orphanet 98904, MedGen C3711389, MONDO:0008070, OMIM 161800.

Submission:

Labcorp Genetics (formerly Invitae), Labcorp
Classification: Likely pathogenic for Actin accumulation myopathy. Last evaluated: 2021-08-07. Review status: criteria provided, single submitter. Criteria: Invitae Variant Classification Sherloc (09022015). Collection method: clinical testing. Allele origin: germline.
Comment: In summary, the currently available evidence indicates that the variant is pathogenic, but additional data are needed to prove that conclusively. Therefore, this variant has been classified as Likely Pathogenic. This variant disrupts the p.Gly48 amino acid residue in ACTA1. Other variant(s) that disrupt this residue have been determined to be pathogenic (PMID: 19562689, 26172852, 27447704; Invitae). This suggests that this residue is clinically significant, and that variants that disrupt this residue are likely to be disease-causing. Advanced modeling of protein sequence and biophysical properties (such as structural, functional, and spatial information, amino acid conservation, physicochemical variation, residue mobility, and thermodynamic stability) performed at Invitae indicates that this missense variant is expected to disrupt ACTA1 protein function. This variant has not been reported in the literature in individuals affected with ACTA1-related conditions. This variant is not present in population databases (ExAC no frequency). This sequence change replaces glycine with arginine at codon 48 of the ACTA1 protein (p.Gly48Arg). The glycine residue is highly conserved and there is a moderate physicochemical difference between glycine and arginine.

Literature cited by the submitters: PubMed 19562689; PubMed 26172852; PubMed 27447704.